The following is an entry in ClinVar:

ClinVar aggregate classification (germline): Uncertain significance (1 of 4 stars; one submission).

Conditions:
Fanconi anemia complementation group O. Also called: RAD51C-Related Fanconi Anemia. Identifiers: Orphanet 84, MedGen C3150653, MONDO:0013248, OMIM 613390.

Submission:

Labcorp Genetics (formerly Invitae), Labcorp
Classification: Uncertain significance for Fanconi anemia complementation group O. Last evaluated: 2023-09-07. Review status: criteria provided, single submitter. Criteria: Invitae Variant Classification Sherloc (09022015). Collection method: clinical testing. Allele origin: germline.
Comment: In summary, the available evidence is currently insufficient to determine the role of this variant in disease. Therefore, it has been classified as a Variant of Uncertain Significance. Variants that disrupt the consensus splice site are a relatively common cause of aberrant splicing (PMID: 17576681, 9536098). Algorithms developed to predict the effect of sequence changes on RNA splicing suggest that this variant is not likely to affect RNA splicing. This variant has not been reported in the literature in individuals affected with RAD51C-related conditions. This variant is not present in population databases (gnomAD no frequency). This sequence change falls in intron 1 of the RAD51C gene. It does not directly change the encoded amino acid sequence of the RAD51C protein. It affects a nucleotide within the consensus splice site.

Literature cited by the submitters: PubMed 17576681; PubMed 9536098.

NM_058216.3(RAD51C):c.145+4dup

Genes: RAD51C (RAD51 paralog C; plus strand), LOC130061310 (ATAC-STARR-seq lymphoblastoid active region 12491; plus strand). Cytogenetic location: 17q22.
Variant type: Duplication.
Coding change: c.145+4dup on transcript NM_058216.3 (MANE Select); 4 bases into the intron after coding-DNA position 145, one base duplicated (A; older notation c.145+4dupA).
Molecular consequence: intron variant.
Genome position (GRCh38, 1-based): chr17:58,692,792, A duplicated; the last of 2 consecutive A bases (chr17:58,692,791-58,692,792); duplicating either gives the same sequence. VCF-style (leftmost placement, unchanged base first): chr17-58692790-T-TA. GRCh37 (hg19) VCF-style: chr17-56770151-T-TA.
Other names: c.145+4dup (NM_002876.4).
Identifiers: ClinVar variation 2758307 (VCV002758307.3), dbSNP rs2509262718, ClinGen allele CA2697560125.